The following is an entry in ClinVar:

NM_001754.5(RUNX1):c.-59-5C>T

Gene: RUNX1 (RUNX family transcription factor 1; minus strand). Cytogenetic location: 21q22.12.
Variant type: single nucleotide variant.
Coding change: c.-59-5C>T on transcript NM_001754.5 (MANE Select); 5 bases into the intron before 59 bases upstream of the start codon, C replaced by T.
Molecular consequence: intron variant.
Genome position (GRCh38, 1-based): chr21:35,048,963, G>A on the plus strand (C>T on the coding strand, the complement: RUNX1 is on the minus strand). VCF-style: chr21-35048963-G-A. GRCh37 (hg19) VCF-style: chr21-36421260-G-A.
Identifiers: ClinVar variation 1692645 (VCV001692645.2), dbSNP rs556553023, ClinGen allele CA320741233.
Genomic context (GRCh38, chr21:35,048,963, plus strand): 5'-TTCCTCCTGAAAATGCACCCTCTTCTGAAGGCGGGGGACTCAATGATTTCTTTTACCTTC[G>A]GAGCGAAAACCAAGACAGGTCACTGTTTCAGCCTCACCCCTCTAGCCCTACATCTCTCTT-3'

ClinVar aggregate classification (germline): Likely benign. Review status: reviewed by expert panel (3 of 4 stars). 2 submissions from 2 submitters: Likely benign (1). 1 of the submissions does not count toward it. Last evaluated 2024-09-10.

Conditions:
Hereditary cancer-predisposing syndrome. Also called: Hereditary neoplastic syndrome; Hereditary Cancer Syndrome; Tumor predisposition; Neoplastic Syndromes, Hereditary. Identifiers: Orphanet 140162, MedGen C0027672, MeSH D009386, MONDO:0015356.
Hereditary thrombocytopenia and hematological cancer predisposition syndrome associated with RUNX1. Also called: PLATELET DISORDER, ASPIRIN-LIKE; RUNX1 Familial Platelet Disorder with Associated Myeloid Malignancies; Familial Platelet Disorder with Propensity to Acute Myelogenous Leukemia; Familial thrombocytopenia with propensity to acute myelogenous leukemia. Identifiers: Orphanet 71290, MedGen C1832388, MeSH C563324, MONDO:0100083, OMIM 601399.

Allele frequency attached by ClinVar (database versions not stated): TOPMed 0.00001; gnomAD 0.00002 and 0.00003; 1000 Genomes Project 0.00020; 1000 Genomes Project 30x 0.00031.
gnomAD v4.1: 18 of 1,488,412 alleles (0.0012%); highest among the groups gnomAD compares: East Asian, 0.0023%; no homozygotes.

Submissions (2):

ClinGen Myeloid Malignancy Variant Curation Expert Panel
Classification: Likely benign for Hereditary thrombocytopenia and hematological cancer predisposition syndrome associated with RUNX1. Last evaluated: 2024-09-10. Review status: reviewed by expert panel. Criteria: ClinGen MyeloMalig ACMG Specifications v2. Collection method: curation. Allele origin: germline. Inheritance: Autosomal dominant inheritance.
Comment: NM_001754.5(RUNX1):c.-59-5C>T is an intronic variant which has a SpliceAI score ≤ 0.20 (BP4). Evolutionary conservation algorithms predict the site as not being conserved (PhyloP score < 2.0 or the variant is the reference nucleotide in one primate and/or three mammal species) (BP7). In summary, this variant meets criteria to be classified as likely benign. ACMG/AMP criteria applied, as specified by the Myeloid Malignancy Variant Curation Expert Panel for RUNX1: BP4, BP7.

Sema4
Classification: Uncertain significance for Hereditary cancer-predisposing syndrome. Last evaluated: 2021-12-16. Review status: criteria provided, single submitter. Criteria: Sema4 Curation Guidelines. Collection method: curation. Allele origin: germline. Not counted in ClinVar's aggregate classification.
Comment: The RUNX1 c.-59-5C>T variant has not been reported in the literature to our knowledge. It was observed in 2/15384 chromosomes of the European Non-Finnish subpopulation in the large and broad cohorts of the Genome Aggregation Database (PMID: 32461654). This variant has not been reported in ClinVar. In silico tools developed to predict the effect of sequence changes on RNA splicing do not suggest a negative effect on normal splicing, though these predictions have not been confirmed by functional studies. The evidence is insufficient to meet ACMG/AMP criteria for classifying the variant as benign or pathogenic. Thus, the clinical significance of this variant is currently uncertain.